The following is an entry in ClinVar:

NM_002292.4(LAMB2):c.701C>T (p.Ser234Leu)

Gene: LAMB2 (laminin subunit beta 2; minus strand). Cytogenetic location: 3p21.31.
Variant type: single nucleotide variant.
Coding change: c.701C>T on transcript NM_002292.4 (MANE Select); coding-DNA position 701, C replaced by T.
Protein change: p.Ser234Leu; replaces serine 234 with leucine.
Molecular consequence: missense variant.
Genome position (GRCh38, 1-based): chr3:49,131,390, G>A on the plus strand (C>T on the coding strand, the complement: LAMB2 is on the minus strand). VCF-style: chr3-49131390-G-A. GRCh37 (hg19) VCF-style: chr3-49168823-G-A.
Other names: short protein forms S234L.
Identifiers: ClinVar variation 1429665 (VCV001429665.6), dbSNP rs2107644618, ClinGen allele CA352749042.

ClinVar aggregate classification (germline): Uncertain significance (1 of 4 stars; one submission).

Conditions:
Pierson syndrome. Also called: MICROCORIA-CONGENITAL NEPHROTIC SYNDROME. Identifiers: Orphanet 2670, MedGen C1836876, MONDO:0012184, OMIM 609049.
LAMB2-related infantile-onset nephrotic syndrome. Also called: NEPHROTIC SYNDROME, TYPE 5, WITHOUT OCULAR ABNORMALITIES; NEPHROTIC SYNDROME, TYPE 5, WITH OCULAR ABNORMALITIES; Nephrotic Syndrome, type 5. Identifiers: Orphanet 306507, MedGen C3280113, MONDO:0013621, OMIM 614199.

Allele frequency attached by ClinVar (database versions not stated): gnomAD exomes below 0.00001.
gnomAD v4.1: 1 of 1,614,126 alleles (0.000062%); highest among the groups gnomAD compares: Admixed American, 0.0017%; no homozygotes.

Submission:

Labcorp Genetics (formerly Invitae), Labcorp
Classification: Uncertain significance for LAMB2-related infantile-onset nephrotic syndrome; Pierson syndrome. Last evaluated: 2021-08-12. Review status: criteria provided, single submitter. Criteria: Invitae Variant Classification Sherloc (09022015). Collection method: clinical testing. Allele origin: germline.
Comment: In summary, the available evidence is currently insufficient to determine the role of this variant in disease. Therefore, it has been classified as a Variant of Uncertain Significance. Algorithms developed to predict the effect of missense changes on protein structure and function are either unavailable or do not agree on the potential impact of this missense change (SIFT: "Deleterious"; PolyPhen-2: "Benign"; Align-GVGD: "Class C0"). This variant has not been reported in the literature in individuals affected with LAMB2-related conditions. This variant is not present in population databases (ExAC no frequency). This sequence change replaces serine with leucine at codon 234 of the LAMB2 protein (p.Ser234Leu). The serine residue is weakly conserved and there is a large physicochemical difference between serine and leucine.